The following is an entry in ClinVar:

ClinVar aggregate classification (germline): Uncertain significance (1 of 4 stars; one submission).

Conditions:
Intellectual developmental disorder 61. Also called: INTELLECTUAL DEVELOPMENTAL DISORDER, AUTOSOMAL DOMINANT 61; MENTAL RETARDATION, AUTOSOMAL DOMINANT 61. Identifiers: MedGen C5231400, MONDO:0032485, OMIM 618009.

Submission:

Clinical Genomics Laboratory, Washington University in St. Louis
Classification: Uncertain significance for Intellectual developmental disorder 61. Last evaluated: 2023-07-05. Review status: criteria provided, single submitter. Criteria: ACMG Guidelines, 2015. Collection method: clinical testing. Allele origin: germline.
Comment: The MED13 c.4178C>G (pThr1393Ser) variant, to our knowledge, has not been reported in the medical literature and is absent from the general population (gnomAD v.2.1.1), indicating it is not a common variant. Computational predictors suggest that the variant does not impact MED13 function. Due to limited information, and based on ACMG/AMP guidelines for variant interpretation (Richards S et al., PMID: 25741868), the clinical significance of this variant is uncertain at this time.

NM_005121.3(MED13):c.4178C>G (p.Thr1393Ser)

Gene: MED13 (mediator complex subunit 13; minus strand). Cytogenetic location: 17q23.2.
Variant type: single nucleotide variant.
Coding change: c.4178C>G on transcript NM_005121.3 (MANE Select); coding-DNA position 4178, C replaced by G.
Protein change: p.Thr1393Ser; replaces threonine 1393 with serine.
Molecular consequence: missense variant.
Genome position (GRCh38, 1-based): chr17:61,968,048, G>C on the plus strand (C>G on the coding strand, the complement: MED13 is on the minus strand). VCF-style: chr17-61968048-G-C. GRCh37 (hg19) VCF-style: chr17-60045409-G-C.
Other names: short protein forms T1393S.
Identifiers: ClinVar variation 2672200 (VCV002672200.1), dbSNP rs2080074515, ClinGen allele CA400498342.